The following is an entry in ClinVar:

NM_000093.5(COL5A1):c.2435A>G (p.Glu812Gly)

Gene: COL5A1 (collagen type V alpha 1 chain; plus strand). Cytogenetic location: 9q34.3.
Variant type: single nucleotide variant.
Coding change: c.2435A>G on transcript NM_000093.5 (MANE Select); coding-DNA position 2435, A replaced by G.
Protein change: p.Glu812Gly; replaces glutamic acid 812 with glycine.
Molecular consequence: missense variant.
Genome position (GRCh38, 1-based): chr9:134,782,671, A>G. VCF-style: chr9-134782671-A-G. GRCh37 (hg19) VCF-style: chr9-137674517-A-G.
Other names: c.2435A>G, p.Glu812Gly (NM_001278074.1); short protein forms E812G.
Identifiers: ClinVar variation 1791211 (VCV001791211.3), dbSNP rs2490715076, ClinGen allele CA375453937.

ClinVar aggregate classification (germline): Uncertain significance (1 of 4 stars; one submission).

Conditions:
Familial thoracic aortic aneurysm and aortic dissection (TAAD). Also called: Thoracic aortic aneurysms and dissections. Identifiers: Orphanet 91387, MedGen C4707243, MONDO:0019625.

Submission:

Ambry Genetics
Classification: Uncertain significance for Familial thoracic aortic aneurysm and aortic dissection. Last evaluated: 2024-09-25. Review status: criteria provided, single submitter. Criteria: Ambry Variant Classification Scheme 2023. Collection method: clinical testing. Allele origin: germline.
Comment: The c.2435A>G (p.E812G) alteration is located in exon 29 (coding exon 29) of the COL5A1 gene. This alteration results from an A to G substitution at nucleotide position 2435, causing the glutamic acid (E) at amino acid position 812 to be replaced by a glycine (G). This variant was not reported in population-based cohorts in the Genome Aggregation Database (gnomAD). Another alteration at the same codon, c.2436A>T (p.E812D), has been detected in one individual with doughy skin, atrophic scarring, hypermobility, mild prognathism, easy bruising, and dental anomalies (Ritelli, 2013). This amino acid position is highly conserved in available vertebrate species. This alteration is predicted to be deleterious by in silico analysis. Based on insufficient or conflicting evidence, the clinical significance of this alteration remains unclear.

Literature cited by the submitters: PubMed 23587214.